The following is an entry in ClinVar:

ClinVar aggregate classification (germline): Likely benign (1 of 4 stars; one submission).

Conditions:
Catecholaminergic polymorphic ventricular tachycardia (CVPT). Also called: Catecholamine-induced polymorphic ventricular tachycardia. Identifiers: Orphanet 3286, MedGen C5574922, MONDO:0017990.

Submission:

All of Us Research Program, National Institutes of Health
Classification: Likely benign for Catecholaminergic polymorphic ventricular tachycardia. Last evaluated: 2023-03-07. Review status: criteria provided, single submitter. Criteria: ACMG Guidelines, 2015. Collection method: clinical testing. Allele origin: germline. Inheritance: Autosomal dominant inheritance. Observed: 1 variant allele, 1 heterozygote.
Comment: This study involves interpretation of variants in research participants for the purpose of population health screening. Participant phenotype was not available at the time of variant classification. Additional details can be found in publication PMID: 35346344, PMCID: PMC8962531

NM_001035.3(RYR2):c.10011A>G (p.Glu3337=)

Gene: RYR2 (ryanodine receptor 2; plus strand). Cytogenetic location: 1q43.
Variant type: single nucleotide variant.
Coding change: c.10011A>G on transcript NM_001035.3 (MANE Select); coding-DNA position 10011, A replaced by G.
Protein change: p.Glu3337=; no amino-acid change (glutamic acid 3337 retained).
Molecular consequence: synonymous variant.
Genome position (GRCh38, 1-based): chr1:237,708,967, A>G. VCF-style: chr1-237708967-A-G. GRCh37 (hg19) VCF-style: chr1-237872267-A-G.
Identifiers: ClinVar variation 3069738 (VCV003069738.1), dbSNP rs2547411873, ClinGen allele CA424031990.